The following is an entry in ClinVar:

ClinVar aggregate classification (germline): Uncertain significance (1 of 4 stars; one submission).

Conditions:
CACNA1S-related disorder. Also called: CACNA1S-related condition.

Submission:

PreventionGenetics, part of Exact Sciences
Classification: Uncertain significance for CACNA1S-related condition. Last evaluated: 2023-05-22. Review status: criteria provided, single submitter. Criteria: ACMG Guidelines, 2015. Collection method: clinical testing. Allele origin: germline.
Comment: The CACNA1S c.5238_5263del26 variant is predicted to result in a frameshift and premature protein termination (p.Ser1748Leufs*8). To our knowledge, this variant has not been reported in the literature or in a large population database, indicating this variant is rare. Although other upstream loss-of-function variants in CACNA1S have been reported with autosomal recessive inheritance, this variant occurs in the 2nd to last exon and may not result in non-sense mediated decay. Although we suspect that this variant may be pathogenic, at this time, the clinical significance of this variant is uncertain due to the absence of conclusive functional and genetic evidence.

NM_000069.3(CACNA1S):c.5238_5263del (p.Ser1748fs)

Gene: CACNA1S (calcium voltage-gated channel subunit alpha1 S; minus strand). Cytogenetic location: 1q32.1.
Variant type: Deletion.
Coding change: c.5238_5263del on transcript NM_000069.3 (MANE Select); coding-DNA positions 5238 to 5263, 26 bases deleted (GGAGTCCTCCATGCCTGAGGACAGAA).
Protein change: p.Ser1748fs; shifts the reading frame from serine 1748.
Molecular consequence: frameshift variant.
Genome position (GRCh38, 1-based): chr1:201,040,338-201,040,363, TTCTGTCCTCAGGCATGGAGGACTCC deleted on the plus strand (GGAGTCCTCCATGCCTGAGGACAGAA on the coding strand, the reverse complement: CACNA1S is on the minus strand). VCF-style (leftmost placement, unchanged base first): chr1-201040337-TTTCTGTCCTCAGGCATGGAGGACTCC-T. GRCh37 (hg19) VCF-style: chr1-201009465-TTTCTGTCCTCAGGCATGGAGGACTCC-T.
Other names: short protein forms S1748fs.
Identifiers: ClinVar variation 2632803 (VCV002632803.1), dbSNP rs2464390798, ClinGen allele CA2695199959.
Genomic context (GRCh38, chr1:201,040,337, plus strand): 5'-TTCTCCCTGGTGCTCCTGCTGTGGGGTGTCTCCTCATGAAGAGACCCTGGTGTGGAGCTC[TTTCTGTCCTCAGGCATGGAGGACTCC>T]ACCCTGGGGCACTGTTCCAAAGGTACAAAAGCAAAGACCCCGACAGGGGTGCTGGAGCCC-3'